The following is an entry in ClinVar:

NM_017763.6(RNF43):c.1938C>G (p.Ser646Arg)

Gene: RNF43 (ring finger protein 43; minus strand). Cytogenetic location: 17q22.
Variant type: single nucleotide variant.
Coding change: c.1938C>G on transcript NM_017763.6 (MANE Select); coding-DNA position 1938, C replaced by G.
Protein change: p.Ser646Arg; replaces serine 646 with arginine.
Molecular consequence: missense variant.
Genome position (GRCh38, 1-based): chr17:58,357,838, G>C on the plus strand (C>G on the coding strand, the complement: RNF43 is on the minus strand). VCF-style: chr17-58357838-G-C. GRCh37 (hg19) VCF-style: chr17-56435199-G-C.
Other names: c.1938C>G, p.Ser646Arg (NM_001305544.3); c.1557C>G, p.Ser519Arg (NM_001305545.2); short protein forms S519R, S646R.
Identifiers: ClinVar variation 1058829 (VCV001058829.9), dbSNP rs2143395594, ClinGen allele CA400386857.
Genomic context (GRCh38, chr17:58,357,838, plus strand): 5'-GCCAGGGGTGGGCTCGGAGGGACCCCCCCGCCTTTTCCTCTGTGGGTGTCGGGCAGAGAG[G>C]CTGGATTTTTGCAAGTTGAACAGACTGCTGGTACTGGGGCAGATGCTGGAGGCGTCAACT-3'
Protein context (NP_060233.3, residues 636-656): TSSLFNLQKS[Ser646Arg]LSARHPQRKR

ClinVar aggregate classification (germline): Uncertain significance (1 of 4 stars; one submission).

gnomAD v4.1: 1 of 1,614,172 alleles (0.000062%); no homozygotes.

Submission:

Labcorp Genetics (formerly Invitae), Labcorp
Classification: Uncertain significance. Last evaluated: 2025-07-31. Review status: criteria provided, single submitter. Criteria: Invitae Variant Classification Sherloc (09022015). Collection method: clinical testing. Allele origin: germline.
Comment: This sequence change replaces serine, which is neutral and polar, with arginine, which is basic and polar, at codon 646 of the RNF43 protein (p.Ser646Arg). This variant is not present in population databases (gnomAD no frequency). This variant has not been reported in the literature in individuals affected with RNF43-related conditions. ClinVar contains an entry for this variant (Variation ID: 1058829). An algorithm developed to predict the effect of missense changes on protein structure and function (PolyPhen-2) suggests that this variant is likely to be tolerated. In summary, the available evidence is currently insufficient to determine the role of this variant in disease. Therefore, it has been classified as a Variant of Uncertain Significance.